The following is an entry in ClinVar:

ClinVar aggregate classification (germline): Uncertain significance (1 of 4 stars; one submission).

Conditions:
Cardiomyopathy (CMYO). Also called: Cardiomyopathies. Identifiers: Orphanet 167848, MedGen C0878544, MONDO:0004994, HP:0001638. Inheritance: Various modes of inheritance.

Submission:

Color Diagnostics, LLC DBA Color Health
Classification: Uncertain significance for Cardiomyopathy. Last evaluated: 2023-12-04. Review status: criteria provided, single submitter. Criteria: ACMG Guidelines, 2015. Collection method: clinical testing. Allele origin: germline.
Comment: Variant of Uncertain Significance due to insufficient evidence: This missense variant replaces glutamine with histidine at codon 1143 of the DSP protein. Computational prediction tools and conservation analyses are inconclusive regarding the impact of this variant on the protein function. Computational splicing tools suggest that this variant may not impact RNA splicing. To our knowledge, functional assays have not been performed for this variant nor has this variant been reported in individuals affected with cardiovascular disorders in the literature. This variant is rare in the general population and has been identified in 0/277264 chromosomes by the Genome Aggregation Database (gnomAD). Available evidence is insufficient to determine the role of this variant in disease conclusively.

NM_004415.4(DSP):c.3429G>C (p.Gln1143His)

Gene: DSP (desmoplakin; plus strand). Cytogenetic location: 6p24.3.
Variant type: single nucleotide variant.
Coding change: c.3429G>C on transcript NM_004415.4 (MANE Select); coding-DNA position 3429, G replaced by C.
Protein change: p.Gln1143His; replaces glutamine 1143 with histidine.
Molecular consequence: missense variant.
Genome position (GRCh38, 1-based): chr6:7,579,619, G>C. VCF-style: chr6-7579619-G-C. GRCh37 (hg19) VCF-style: chr6-7579852-G-C.
Other names: c.3429G>C, p.Gln1143His (NM_001008844.3, NM_001319034.2); short protein forms Q1143H.
Identifiers: ClinVar variation 919962 (VCV000919962.5), dbSNP rs1759353161, ClinGen allele CA362684031.